The following is an entry in ClinVar:

ClinVar aggregate classification (germline): Uncertain significance. Review status: criteria provided, multiple submitters, no conflicts (2 of 4 stars). 3 submissions from 3 submitters: Uncertain significance (3). Last evaluated 2026-05-27.

Conditions:
Inborn genetic diseases. Identifiers: MedGen C0950123, MeSH D030342.
Intellectual disability, CASK-related, X-linked. Identifiers: MedGen CN043158.

Submissions (3):

Ambry Genetics
Classification: Uncertain significance for Inborn genetic diseases. Last evaluated: 2026-05-27. Review status: criteria provided, single submitter. Criteria: Ambry Variant Classification Scheme 2023. Collection method: clinical testing. Allele origin: germline.

Labcorp Genetics (formerly Invitae), Labcorp
Classification: Uncertain significance for Intellectual disability, CASK-related, X-linked. Last evaluated: 2022-06-22. Review status: criteria provided, single submitter. Criteria: Invitae Variant Classification Sherloc (09022015). Collection method: clinical testing. Allele origin: germline.
Comment: In summary, the available evidence is currently insufficient to determine the role of this variant in disease. Therefore, it has been classified as a Variant of Uncertain Significance. This sequence change replaces arginine, which is basic and polar, with tryptophan, which is neutral and slightly polar, at codon 560 of the CASK protein (p.Arg560Trp). This variant is not present in population databases (gnomAD no frequency). This variant has not been reported in the literature in individuals affected with CASK-related conditions. Algorithms developed to predict the effect of missense changes on protein structure and function (SIFT, PolyPhen-2, Align-GVGD) all suggest that this variant is likely to be disruptive.

UNC Molecular Genetics  Laboratory, University of North Carolina at Chapel Hill
Classification: Uncertain significance for Intellectual disability, CASK-related, X-linked. Last evaluated: 2022-02-22. Review status: criteria provided, single submitter. Criteria: ACMG Guidelines, 2015. Collection method: research. Allele origin: maternal. Observed: 1 variant allele. Study: CSER_NCGENES_2.
Comment: CASK c.1678C>T p.(Arg560Trp) is a missent variant which is predicted to change a single amino acid from an arginine to a tryptophan. This variant is absent from gnomAD and to our knowledge has not been reported previously in affected individuals in the literature. Therefore, it is classified as a variant of uncertain significance.

NM_001367721.1(CASK):c.1678C>T (p.Arg560Trp)

Gene: CASK (calcium/calmodulin dependent serine protein kinase; minus strand). Cytogenetic location: Xp11.4.
Variant type: single nucleotide variant.
Coding change: c.1678C>T on transcript NM_001367721.1 (MANE Select); coding-DNA position 1678, C replaced by T.
Protein change: p.Arg560Trp; replaces arginine 560 with tryptophan.
Molecular consequence: missense variant.
Genome position (GRCh38, 1-based): chrX:41,559,838, G>A on the plus strand (C>T on the coding strand, the complement: CASK is on the minus strand). VCF-style: chrX-41559838-G-A. GRCh37 (hg19) VCF-style: chrX-41419091-G-A.
Other names: c.1678C>T, p.Arg560Trp (NM_001126054.3, NM_003688.4); c.1660C>T, p.Arg554Trp (NM_001126055.3, NM_001410745.1); short protein forms R554W, R560W.
Identifiers: ClinVar variation 1712284 (VCV001712284.7), dbSNP rs2519767925, ClinGen allele CA412994593.
Genomic context (GRCh38, chrX:41,559,838, plus strand): 5'-CCTCACAGGACGAAGACTGAGTGCGGTAACTTGGCACAATCTTGAAGGTAATACTCCCCC[G>A]CATTTCCCTCTGGAGGGGGGGTGGTGGGAAAGAAAGAAAAGTTTTCTTACAAACAATTGT-3'
Protein context (NP_001354650.1, residues 550-570): EQLQKMLREM[Arg560Trp]GSITFKIVPS